The following is an entry in ClinVar:

ClinVar aggregate classification (germline): Uncertain significance (1 of 4 stars; one submission).

Allele frequency attached by ClinVar (database versions not stated): gnomAD exomes below 0.00001; ExAC 0.00007; TOPMed 0.00009; gnomAD 0.00010; 1000 Genomes Project 30x 0.00016; 1000 Genomes Project 0.00020.
gnomAD v4.1: 18 of 1,541,974 alleles (0.0012%); highest among the groups gnomAD compares: African/African-American, 0.021%; no homozygotes.

Submission:

Labcorp Genetics (formerly Invitae), Labcorp
Classification: Uncertain significance. Last evaluated: 2025-12-22. Review status: criteria provided, single submitter. Criteria: Invitae Variant Classification Sherloc (09022015). Collection method: clinical testing. Allele origin: germline.
Comment: This sequence change replaces leucine, which is neutral and non-polar, with phenylalanine, which is neutral and non-polar, at codon 178 of the NAF1 protein (p.Leu178Phe). This variant is present in population databases (rs562985037, gnomAD 0.02%). This variant has not been reported in the literature in individuals affected with NAF1-related conditions. ClinVar contains an entry for this variant (Variation ID: 1910461). An algorithm developed to predict the effect of missense changes on protein structure and function (PolyPhen-2) suggests that this variant is likely to be disruptive. In summary, the available evidence is currently insufficient to determine the role of this variant in disease. Therefore, it has been classified as a Variant of Uncertain Significance.

NM_138386.3(NAF1):c.532C>T (p.Leu178Phe)

Gene: NAF1 (nuclear assembly factor 1 ribonucleoprotein; minus strand). Cytogenetic location: 4q32.2.
Variant type: single nucleotide variant.
Coding change: c.532C>T on transcript NM_138386.3 (MANE Select); coding-DNA position 532, C replaced by T.
Protein change: p.Leu178Phe; replaces leucine 178 with phenylalanine.
Molecular consequence: missense variant.
Genome position (GRCh38, 1-based): chr4:163,164,225, G>A on the plus strand (C>T on the coding strand, the complement: NAF1 is on the minus strand). VCF-style: chr4-163164225-G-A. GRCh37 (hg19) VCF-style: chr4-164085377-G-A.
Other names: c.532C>T, p.Leu178Phe (NM_001128931.2); short protein forms L178F.
Identifiers: ClinVar variation 1910461 (VCV001910461.5), dbSNP rs562985037, ClinGen allele CA3126346.